The following is an entry in ClinVar:

NM_000702.4(ATP1A2):c.2669G>A (p.Arg890Gln)

Gene: ATP1A2 (ATPase Na+/K+ transporting subunit alpha 2; plus strand). Cytogenetic location: 1q23.2.
Variant type: single nucleotide variant.
Coding change: c.2669G>A on transcript NM_000702.4 (MANE Select); coding-DNA position 2669, G replaced by A.
Protein change: p.Arg890Gln; replaces arginine 890 with glutamine.
Molecular consequence: missense variant.
Genome position (GRCh38, 1-based): chr1:160,136,675, G>A. VCF-style: chr1-160136675-G-A. GRCh37 (hg19) VCF-style: chr1-160106465-G-A.
Other names: short protein forms R890Q.
Identifiers: ClinVar variation 804549 (VCV000804549.10), dbSNP rs868485498, ClinGen allele CA31501928.
Genomic context (GRCh38, chr1:160,136,675, plus strand): 5'-TGGCAGAGAACGGTTTCCTGCCATCACGGCTACTGGGAATCCGCCTCGACTGGGATGACC[G>A]GACCATGAATGATCTGGAGGACAGCTATGGACAGGAGTGGGTGAGTGGTGCTGTGTAAAC-3'
Protein context (NP_000693.1, residues 880-900): LLGIRLDWDD[Arg890Gln]TMNDLEDSYG

ClinVar aggregate classification (germline): Uncertain significance. Review status: criteria provided, multiple submitters, no conflicts (2 of 4 stars). 5 submissions from 5 submitters: Uncertain significance (5). Last evaluated 2025-10-27.

Conditions:
Familial hemiplegic migraine. Identifiers: MedGen C0338484, MONDO:0000700.
ATP1A2-related disorder. Also called: ATP1A2-related condition; ATP1A2-RELATED DISORDERS.

Allele frequency attached by ClinVar (database versions not stated): TOPMed below 0.00001; gnomAD exomes 0.00001.
gnomAD v4.1: 11 of 1,614,228 alleles (0.00068%); highest among the groups gnomAD compares: Non-Finnish European, 0.00085%; no homozygotes.

Submissions (5):

Labcorp Genetics (formerly Invitae), Labcorp
Classification: Uncertain significance for Familial hemiplegic migraine. Last evaluated: 2025-10-27. Review status: criteria provided, single submitter. Criteria: Invitae Variant Classification Sherloc (09022015). Collection method: clinical testing. Allele origin: germline.
Comment: This sequence change replaces arginine, which is basic and polar, with glutamine, which is neutral and polar, at codon 890 of the ATP1A2 protein (p.Arg890Gln). This variant is not present in population databases (gnomAD no frequency). This missense change has been observed in individuals with clinical features of autosomal dominant developmental and epileptic encephalopathy (internal data). ClinVar contains an entry for this variant (Variation ID: 804549). Invitae Evidence Modeling of protein sequence and biophysical properties (such as structural, functional, and spatial information, amino acid conservation, physicochemical variation, residue mobility, and thermodynamic stability) has been performed for this missense variant. However, the output from this modeling did not meet the statistical confidence thresholds required to predict the impact of this variant on ATP1A2 protein function. In summary, the available evidence is currently insufficient to determine the role of this variant in disease. Therefore, it has been classified as a Variant of Uncertain Significance.

PreventionGenetics, part of Exact Sciences
Classification: Uncertain significance for ATP1A2-related condition. Last evaluated: 2025-07-07. Review status: criteria provided, single submitter. Criteria: ACMG Guidelines, 2015. Collection method: clinical testing. Allele origin: germline.
Comment: The ATP1A2 c.2669G>A variant is predicted to result in the amino acid substitution p.Arg890Gln. To our knowledge, this variant has not been reported in the literature or in a large population database (gnomAD), indicating this variant is rare. At this time, the clinical significance of this variant is uncertain due to the absence of conclusive functional and genetic evidence.

Blueprint Genetics
Classification: Uncertain significance. Last evaluated: 2022-09-12. Review status: criteria provided, single submitter. Criteria: ACMG Guidelines, 2015. Collection method: clinical testing. Allele origin: germline.

GeneDx
Classification: Uncertain significance. Last evaluated: 2021-09-09. Review status: criteria provided, single submitter. Criteria: GeneDx Variant Classification Process June 2021. Collection method: clinical testing. Allele origin: germline. Affected: yes.
Comment: Not observed in large population cohorts (Lek et al., 2016); In silico analysis supports that this missense variant does not alter protein structure/function; Has not been previously published as pathogenic or benign to our knowledge

Athena Diagnostics
Classification: Uncertain significance. Last evaluated: 2019-03-30. Review status: criteria provided, single submitter. Criteria: Athena Diagnostics Criteria. Collection method: clinical testing. Allele origin: germline.